The following is an entry in ClinVar:

ClinVar aggregate classification (germline): Pathogenic. Review status: reviewed by expert panel (3 of 4 stars). 9 submissions from 8 submitters: Pathogenic (1). 8 of the submissions do not count toward it. Last evaluated 2017-03-17.

Conditions:
CFTR-related disorder (CFTR-RD). Also called: CFTR-related disorders; CFTR-related condition. Identifiers: MedGen C5924204, MONDO:7770004.
Cystic fibrosis (CF). Also called: MUCOVISCIDOSIS. Identifiers: Orphanet 586, MedGen C0010674, MONDO:0009061, OMIM 219700. Disease mechanism: loss of function.
Congenital bilateral aplasia of vas deferens from CFTR mutation (CBAVD). Identifiers: Orphanet 48, MedGen C0403814, MONDO:0010178, OMIM 277180. Disease mechanism: loss of function.
Bronchiectasis with or without elevated sweat chloride 1 (BESC1). Also called: Cystic Fibrosis-Like Syndrome. Identifiers: Orphanet 60033, MedGen C2749757, MONDO:0008887, OMIM 211400.

Submissions (9):

CFTR2
Classification: Pathogenic for Cystic fibrosis. Last evaluated: 2017-03-17. Review status: reviewed by expert panel. Criteria: Sosnay PR et al. (Nat Genet 2013). Collection method: research. Allele origin: germline. Affected: yes. Study: CFTR2.

Natera, Inc.
Classification: Pathogenic for CFTR-related disorders. Last evaluated: 2025-09-02. Review status: criteria provided, single submitter. Criteria: Natera Variant Classification Schema (03/2026). Collection method: clinical testing. Allele origin: germline. Not counted in ClinVar's aggregate classification.
Comment: The c.1923_1931delCTCAAAACTinsA variant in CFTR is a frameshift variant predicted to shift the reading frame beginning at codon 641 and leads to a stop codon 5 codons downstream. This variant is expected to result in nonsense mediated decay, truncation, or a dysfunctional protein product. This variant is rare in the general population with a frequency below the threshold expected for the associated phenotype(s). This variant has been observed in one or more individuals affected with the associated recessive disease, as either homozygous or compound heterozygous with a second variant (PMID: 15365999, 16980811). Given the available evidence, this variant is classified as Pathogenic.

Baylor Genetics
Classification: Pathogenic for Bronchiectasis with or without elevated sweat chloride 1. Last evaluated: 2024-01-22. Review status: criteria provided, single submitter. Criteria: ACMG Guidelines, 2015. Collection method: clinical testing. Allele origin: unknown. Not counted in ClinVar's aggregate classification.

ARUP Laboratories, Molecular Genetics and Genomics, ARUP Laboratories
Classification: Pathogenic. Last evaluated: 2022-11-28. Review status: criteria provided, single submitter. Criteria: ARUP Molecular Germline Variant Investigation Process 2021. Collection method: clinical testing. Allele origin: germline. Not counted in ClinVar's aggregate classification.
Comment: The CFTR c.1923_1931delinsA; p.Ser641ArgfsTer5 variant (rs121908779), also known as 2055del9>A, is reported in the literature in two individuals affected with cystic fibrosis, one of whom was a compound heterozygote with another pathogenic variant (Orozco 1997). The CFTR2 database reports pancreatic insufficiency in 93% of individuals carrying the p.Ser641ArgfsTer5 variant with a second pathogenic CFTR variant (see link). This variant is also reported in ClinVar (Variation ID: 38735), but is absent from the Genome Aggregation Database, indicating it is not a common polymorphism. This variant causes a frameshift by deleting nine nucleotides and inserting a single adenosine, so it is predicted to result in a truncated protein or mRNA subject to nonsense-mediated decay. Based on available information, this variant is considered to be pathogenic. References: CFTR2 database: Orozco L et al. Two novel frameshift deletions (1924del7, 2055del9-->A) in the CFTR gene in Mexican cystic fibrosis patients. Hum Mutat. 1997;10(3):239-40.

Mayo Clinic Laboratories, Mayo Clinic
Classification: Pathogenic. Last evaluated: 2020-03-16. Review status: criteria provided, single submitter. Criteria: ACMG Guidelines, 2015. Collection method: clinical testing. Allele origin: germline. Observed: 1 variant allele. Not counted in ClinVar's aggregate classification.

Myriad Genetics, Inc.
Classification: Pathogenic for Cystic fibrosis. Last evaluated: 2019-12-09. Review status: criteria provided, single submitter. Criteria: Myriad Women's Health Autosomal Recessive and X-Linked Classification Criteria (2019). Collection method: clinical testing. Allele origin: unknown. Not counted in ClinVar's aggregate classification.
Comment: NM_000492.3(CFTR):c.1923_1931del9ins1(S641Rfs*5, aka 2055del9->A) is classified as pathogenic in the context of cystic fibrosis. Sources cited for classification include the following: PMID 9298826, 10798368 and 21416780. Classification of NM_000492.3(CFTR):c.1923_1931del9ins1(S641Rfs*5, aka 2055del9->A) is based on the following criteria: The variant causes a premature termination codon that is expected to be targeted by nonsense-mediated mRNA decay and is reported in individuals with the relevant phenotype. Please note: this variant was assessed in the context of healthy population screening.

Johns Hopkins Genomics, Johns Hopkins University
Classification: Pathogenic for Cystic fibrosis. Last evaluated: 2019-10-16. Review status: criteria provided, single submitter. Criteria: ACMG Guidelines, 2015. Collection method: clinical testing. Allele origin: germline. Not counted in ClinVar's aggregate classification.
Comment: Disease-causing CFTR variant. See CFTR2 for phenotype information.

Women's Health and Genetics/Laboratory Corporation of America, LabCorp
Classification: Pathogenic. Last evaluated: 2017-09-06. Review status: criteria provided, single submitter. Criteria: LabCorp Variant Classification Summary - May 2015. Collection method: clinical testing. Allele origin: germline. Not counted in ClinVar's aggregate classification.
Comment: Variant summary: The CFTR c.1923_1931delinsA (p.Ser641ArgfsX5) variant results in a premature termination codon, predicted to cause a truncated or absent CFTR protein due to nonsense mediated decay, which are commonly known mechanisms for disease. Truncations downstream of this position have been classified as pathogenic by our laboratory (e.g. c.1973_1985delinsAGAAA, p.Arg658fsX4; c.1976delA, p.Asn659fsX4; c.1986_1989delAACT, p.Thr663fsX8). One in silico tool predicts a damaging outcome for this variant. The variant was not found in the control population dataset of ExAC in 120642 control chromosomes. Multiple publications have cited the variant in homozygous and compound heterozygote individuals with CF (predominantly Hispanic)(Orozco_1997, Orozco_1997, Kammesheidt_2006). In addition, multiple clinical diagnostic laboratories/reputable databases classified this variant as pathogenic. Taken together, this variant is classified as pathogenic.

Baylor Genetics
Classification: Pathogenic for Congenital bilateral aplasia of vas deferens from CFTR mutation; Cystic fibrosis. Review status: criteria provided, single submitter. Criteria: ACMG Guidelines, 2015. Collection method: clinical testing. Allele origin: germline. Not counted in ClinVar's aggregate classification.

Literature cited by the submitters: PubMed 15365999 (cited by Natera, Inc. and Women's Health and Genetics/Laboratory Corporation of America, LabCorp); PubMed 16980811 (cited by Natera, Inc. and Women's Health and Genetics/Laboratory Corporation of America, LabCorp); PubMed 9298826 (cited by Myriad Genetics, Inc. and Women's Health and Genetics/Laboratory Corporation of America, LabCorp); PubMed 10798368 (cited by Myriad Genetics, Inc.); PubMed 21416780 (cited by Myriad Genetics, Inc.).

NM_000492.4(CFTR):c.1923_1931delinsA (p.Ser641fs)

Gene: CFTR (CF transmembrane conductance regulator; plus strand). Cytogenetic location: 7q31.2.
Variant type: Indel.
Coding change: c.1923_1931delinsA on transcript NM_000492.4 (MANE Select); coding-DNA positions 1923 to 1931, CTCAAAACT replaced by A.
Protein change: p.Ser641fs; shifts the reading frame from serine 641.
Molecular consequence: frameshift variant.
Genome position (GRCh38, 1-based): chr7:117,592,090-117,592,098, CTCAAAACT replaced by A. VCF-style: chr7-117592090-CTCAAAACT-A. GRCh37 (hg19) VCF-style: chr7-117232144-CTCAAAACT-A.
Other names: 2055del9>A; 2055del9->A; c.1923_1931delCTCAAAACTinsA (NM_000492.3); short protein forms S641fs.
Identifiers: ClinVar variation 38735 (VCV000038735.113), dbSNP rs121908779, ClinGen allele CA326718.